The following is an entry in ClinVar:

NM_144687.4(NLRP12):c.3061C>T (p.Arg1021Trp)

Gene: NLRP12 (NLR family pyrin domain containing 12; minus strand). Cytogenetic location: 19q13.42.
Variant type: single nucleotide variant.
Coding change: c.3061C>T on transcript NM_144687.4 (MANE Select); coding-DNA position 3061, C replaced by T.
Protein change: p.Arg1021Trp; replaces arginine 1021 with tryptophan.
Molecular consequence: missense variant.
Genome position (GRCh38, 1-based): chr19:53,795,896, G>A on the plus strand (C>T on the coding strand, the complement: NLRP12 is on the minus strand). VCF-style: chr19-53795896-G-A. GRCh37 (hg19) VCF-style: chr19-54299150-G-A.
Other names: c.3064C>T, p.Arg1022Trp (NM_001277126.2); c.2890C>T, p.Arg964Trp (NM_001277129.1); short protein forms R964W, R1022W, R1021W.
Identifiers: ClinVar variation 2986291 (VCV002986291.3), dbSNP rs774905024, ClinGen allele CA9638789.

ClinVar aggregate classification (germline): Uncertain significance (1 of 4 stars; one submission).

Conditions:
Familial cold autoinflammatory syndrome 2 (FCAS2). Identifiers: Orphanet 247868, MedGen C2673198, MONDO:0012724, OMIM 611762.

Allele frequency attached by ClinVar (database versions not stated): ExAC 0.00002; TOPMed 0.00002; gnomAD 0.00003.
gnomAD v4.1: 13 of 1,614,030 alleles (0.00081%); highest among the groups gnomAD compares: East Asian, 0.0067%; no homozygotes.

Submission:

Labcorp Genetics (formerly Invitae), Labcorp
Classification: Uncertain significance for Familial cold autoinflammatory syndrome 2. Last evaluated: 2025-10-18. Review status: criteria provided, single submitter. Criteria: Invitae Variant Classification Sherloc (09022015). Collection method: clinical testing. Allele origin: germline.
Comment: This sequence change replaces arginine, which is basic and polar, with tryptophan, which is neutral and slightly polar, at codon 1021 of the NLRP12 protein (p.Arg1021Trp). This variant is present in population databases (rs774905024, gnomAD 0.008%). This variant has not been reported in the literature in individuals affected with NLRP12-related conditions. ClinVar contains an entry for this variant (Variation ID: 2986291). Experimental studies and prediction algorithms are not available or were not evaluated, and the functional significance of this variant is currently unknown. In summary, the available evidence is currently insufficient to determine the role of this variant in disease. Therefore, it has been classified as a Variant of Uncertain Significance.